The following is an entry in ClinVar:

NM_006922.4(SCN3A):c.22C>T (p.Pro8Ser)

Gene: SCN3A (sodium voltage-gated channel alpha subunit 3; minus strand). Cytogenetic location: 2q24.3.
Variant type: single nucleotide variant.
Coding change: c.22C>T on transcript NM_006922.4 (MANE Select); coding-DNA position 22, C replaced by T.
Protein change: p.Pro8Ser; replaces proline 8 with serine.
Molecular consequence: missense variant.
Genome position (GRCh38, 1-based): chr2:165,176,373, G>A on the plus strand (C>T on the coding strand, the complement: SCN3A is on the minus strand). VCF-style: chr2-165176373-G-A. GRCh37 (hg19) VCF-style: chr2-166032883-G-A.
Other names: c.22C>T, p.Pro8Ser (NM_001081676.2, NM_001081677.2); c.22C>T (NM_006922.3); short protein forms P8S.
Identifiers: ClinVar variation 1354314 (VCV001354314.8), dbSNP rs1559264531, ClinGen allele CA349241238.

ClinVar aggregate classification (germline): Uncertain significance. Review status: criteria provided, single submitter (1 of 4 stars). 2 submissions from 2 submitters: Uncertain significance (1). 1 of the submissions does not count toward it. Last evaluated 2024-02-15.

Conditions:
SCN3A-related disorder. Also called: SCN3A-related condition.

Allele frequency attached by ClinVar (database versions not stated): gnomAD exomes below 0.00001.
gnomAD v4.1: 4 of 1,614,014 alleles (0.00025%); highest among the groups gnomAD compares: Non-Finnish European, 0.00017%; no homozygotes.

Submissions (2):

Labcorp Genetics (formerly Invitae), Labcorp
Classification: Uncertain significance. Last evaluated: 2024-02-15. Review status: criteria provided, single submitter. Criteria: Invitae Variant Classification Sherloc (09022015). Collection method: clinical testing. Allele origin: germline.
Comment: This sequence change replaces proline, which is neutral and non-polar, with serine, which is neutral and polar, at codon 8 of the SCN3A protein (p.Pro8Ser). This variant is not present in population databases (gnomAD no frequency). This variant has not been reported in the literature in individuals affected with SCN3A-related conditions. ClinVar contains an entry for this variant (Variation ID: 1354314). Advanced modeling of protein sequence and biophysical properties (such as structural, functional, and spatial information, amino acid conservation, physicochemical variation, residue mobility, and thermodynamic stability) has been performed at Invitae for this missense variant, however the output from this modeling did not meet the statistical confidence thresholds required to predict the impact of this variant on SCN3A protein function. In summary, the available evidence is currently insufficient to determine the role of this variant in disease. Therefore, it has been classified as a Variant of Uncertain Significance.

PreventionGenetics, part of Exact Sciences
Classification: Uncertain significance for SCN3A-related condition. Last evaluated: 2024-01-19. Review status: no assertion criteria provided. Collection method: clinical testing. Allele origin: germline. Not counted in ClinVar's aggregate classification.
Comment: The SCN3A c.22C>T variant is predicted to result in the amino acid substitution p.Pro8Ser. To our knowledge, this variant has not been reported in the literature. This variant is reported in 0.0054% of alleles in individuals of East Asian descent in gnomAD. At this time, the clinical significance of this variant is uncertain due to the absence of conclusive functional and genetic evidence.